The following is an entry in ClinVar:

ClinVar aggregate classification (germline): Conflicting classifications of pathogenicity. Review status: criteria provided, conflicting classifications (1 of 4 stars). 5 submissions from 5 submitters: Uncertain significance (1); Benign (1); Likely benign (3). Last evaluated 2026-02-04.

Conditions:
Hereditary pulmonary alveolar proteinosis. Also called: Pulmonary surfactant metabolism dysfunction. Identifiers: Orphanet 264675, MedGen C3711368, MONDO:0012580.
Interstitial lung disease due to ABCA3 deficiency. Also called: PULMONARY ALVEOLAR PROTEINOSIS, CONGENITAL, 3. Identifiers: Orphanet 440402, MedGen C1970456, MONDO:0012582, OMIM 610921.
ABCA3-related disorder. Also called: ABCA3-related condition.

Allele frequency attached by ClinVar (database versions not stated): 1000 Genomes Project 30x 0.00062; ESP Exome Variant Server 0.00062; gnomAD 0.00064 and 0.00071; 1000 Genomes Project 0.00080; TOPMed 0.00081.
gnomAD v4.1: 191 of 1,614,124 alleles (0.012%); highest among the groups gnomAD compares: African/African-American, 0.2%; 1 homozygote.

Submissions (5):

Labcorp Genetics (formerly Invitae), Labcorp
Classification: Benign. Last evaluated: 2026-02-04. Review status: criteria provided, single submitter. Criteria: Invitae Variant Classification Sherloc (09022015). Collection method: clinical testing. Allele origin: germline.

PreventionGenetics, part of Exact Sciences
Classification: Likely benign for ABCA3-related condition. Last evaluated: 2025-03-28. Review status: criteria provided, single submitter. Criteria: ACMG Guidelines, 2015. Collection method: clinical testing. Allele origin: germline.
Comment: This variant is classified as likely benign based on ACMG/AMP sequence variant interpretation guidelines (Richards et al. 2015 PMID: 25741868, with internal and published modifications).

Blueprint Genetics
Classification: Likely benign. Last evaluated: 2024-07-18. Review status: criteria provided, single submitter. Criteria: ACMG Guidelines, 2015. Collection method: clinical testing. Allele origin: germline.

Ambry Genetics
Classification: Likely benign for Hereditary pulmonary alveolar proteinosis. Last evaluated: 2024-04-25. Review status: criteria provided, single submitter. Criteria: Ambry Variant Classification Scheme 2023. Collection method: clinical testing. Allele origin: germline.

Illumina Laboratory Services, Illumina
Classification: Uncertain significance for Interstitial lung disease due to ABCA3 deficiency. Last evaluated: 2018-01-12. Review status: criteria provided, single submitter. Criteria: ICSL Variant Classification Criteria 13 December 2019. Collection method: clinical testing. Allele origin: germline.

NM_001089.3(ABCA3):c.3195G>A (p.Leu1065=)

Gene: ABCA3 (ATP binding cassette subfamily A member 3; minus strand). Cytogenetic location: 16p13.3.
Variant type: single nucleotide variant.
Coding change: c.3195G>A on transcript NM_001089.3 (MANE Select); coding-DNA position 3195, G replaced by A.
Protein change: p.Leu1065=; no amino-acid change (leucine 1065 retained).
Molecular consequence: synonymous variant.
Genome position (GRCh38, 1-based): chr16:2,286,777, C>T on the plus strand (G>A on the coding strand, the complement: ABCA3 is on the minus strand). VCF-style: chr16-2286777-C-T. GRCh37 (hg19) VCF-style: chr16-2336778-C-T.
Identifiers: ClinVar variation 318427 (VCV000318427.12), dbSNP rs140502726, ClinGen allele CA7840583.
Genomic context (GRCh38, chr16:2,286,777, plus strand): 5'-CTGCAGGGCGCTCCGGGGCTGGGGGAAGTTGGAGACCACAATGGAGGCGTGAGGCCCGCA[C>T]AGCAGCTTGAACAGAAGGTTGTCCACGACGGCCAGGGCAGTGGCTGGAGAGTGGTACGCC-3'
Protein context (NP_001080.2, residues 1055-1075): AVVDNLLFKL[Leu1065=]CGPHASIVVS